The following is an entry in ClinVar:

NM_014874.4(MFN2):c.1132T>C (p.Ser378Pro)

Gene: MFN2 (mitofusin 2; plus strand). Cytogenetic location: 1p36.22.
Variant type: single nucleotide variant.
Coding change: c.1132T>C on transcript NM_014874.4 (MANE Select); coding-DNA position 1132, T replaced by C.
Protein change: p.Ser378Pro; replaces serine 378 with proline.
Molecular consequence: missense variant.
Genome position (GRCh38, 1-based): chr1:12,002,075, T>C. VCF-style: chr1-12002075-T-C. GRCh37 (hg19) VCF-style: chr1-12062132-T-C.
Other names: c.1132T>C, p.Ser378Pro (NM_001127660.2); short protein forms S378P.
Identifiers: ClinVar variation 637717 (VCV000637717.4), dbSNP rs1569854381, ClinGen allele CA338443222.
Genomic context (GRCh38, chr1:12,002,075, plus strand): 5'-TTTGAGCAGCACACGGTCCGGGCCAAGCAGATTGCAGAGGCGGTTCGACTCATCATGGAC[T>C]CCCTGCACATGGCGGCTCGGGAGCAGCAGTAAGAGTCCAAGACTGCAGATAGGTGGAGAG-3'
Protein context (NP_055689.1, residues 368-388): IAEAVRLIMD[Ser378Pro]LHMAAREQQV

ClinVar aggregate classification (germline): Conflicting classifications of pathogenicity. Review status: criteria provided, conflicting classifications (1 of 4 stars). 3 submissions from 3 submitters: Likely pathogenic (1); Uncertain significance (1). 1 of the submissions does not count toward it. Last evaluated 2025-07-23.

Conditions:
Charcot-Marie-Tooth disease. Also called: Charcot-Marie-Tooth Hereditary Neuropathy; Charcot-Marie-Tooth Neuropathy. Identifiers: Orphanet 166, MedGen C0007959, MONDO:0015626.
Charcot-Marie-Tooth disease type 2A2. Also called: CHARCOT-MARIE-TOOTH DISEASE, AXONAL, AUTOSOMAL DOMINANT, TYPE 2A2A; CHARCOT-MARIE-TOOTH DISEASE, NEURONAL, TYPE 2A2; HEREDITARY MOTOR AND SENSORY NEUROPATHY IIA2; HMSN IIA2; CHARCOT-MARIE-TOOTH DISEASE, AXONAL, TYPE 2A2; Charcot-Marie-Tooth Neuropathy Type 2A2. Identifiers: Orphanet 99947, MedGen C4721887, MONDO:0012231, OMIM 609260.

Submissions (3):

Athena Diagnostics
Classification: Uncertain significance. Last evaluated: 2025-07-23. Review status: criteria provided, single submitter. Criteria: Athena Diagnostics Criteria. Collection method: clinical testing. Allele origin: unknown.
Comment: Available data are insufficient to determine the clinical significance of the variant at this time. This variant has not been reported in large, multi-ethnic general populations. This variant has been identified in at least one individual with clinical features associated with this gene. Assessment of experimental evidence regarding the effect of this variant on protein function is inconclusive. (PMID: 32245838)

3billion
Classification: Likely pathogenic for Charcot-Marie-Tooth disease type 2A2. Last evaluated: 2025-03-04. Review status: criteria provided, single submitter. Criteria: ACMG Guidelines, 2015. Collection method: clinical testing. Allele origin: germline. Affected: yes.
Comment: The variant is not observed in the gnomAD v4.1.0 dataset. Predicted Consequence/Location: Missense variant In silico tool predictions suggest damaging effect of the variant on gene or gene product [REVEL: 0.79 (>=0.6, sensitivity 0.68 and specificity 0.92); 3Cnet: 0.98 (> 0.75, sensitivity 0.96 and precision 0.92)]. The same nucleotide change resulting in the same amino acid change has been previously reported to be associated with MFN2-related disorder (PMID: 18425620). The variant has been previously reported as assumed (i.e. paternity and maternity not confirmed) de novo in at least one similarly affected unrelated individual (PMID: 18425620). Therefore, this variant is classified as Likely pathogenic according to the recommendation of ACMG/AMP guideline.

Inherited Neuropathy Consortium
Classification: Uncertain significance for Charcot-Marie-Tooth disease. Review status: no assertion criteria provided. Collection method: literature only. Allele origin: germline. Affected: yes. Not counted in ClinVar's aggregate classification.

Literature cited by the submitters: PubMed 35027655 (cited by Athena Diagnostics); PubMed 32245838 (cited by Athena Diagnostics); PubMed 18425620 (cited by 3 submitters).